The following is an entry in ClinVar:

ClinVar aggregate classification (germline): Uncertain significance (1 of 4 stars; one submission).

Allele frequency attached by ClinVar (database versions not stated): gnomAD exomes below 0.00001 and 0.00001; ExAC 0.00001; gnomAD 0.00001; TOPMed 0.00002.
gnomAD v4.1: 6 of 1,614,032 alleles (0.00037%); highest among the groups gnomAD compares: East Asian, 0.0067%; no homozygotes.

Submission:

Labcorp Genetics (formerly Invitae), Labcorp
Classification: Uncertain significance. Last evaluated: 2021-10-13. Review status: criteria provided, single submitter. Criteria: Invitae Variant Classification Sherloc (09022015). Collection method: clinical testing. Allele origin: germline.
Comment: This sequence change replaces methionine with lysine at codon 167 of the NSMCE3 protein (p.Met167Lys). The methionine residue is weakly conserved and there is a moderate physicochemical difference between methionine and lysine. This variant is present in population databases (rs773595085, ExAC 0.01%). This variant has not been reported in the literature in individuals affected with NSMCE3-related conditions. Algorithms developed to predict the effect of missense changes on protein structure and function are either unavailable or do not agree on the potential impact of this missense change (SIFT: "Deleterious"; PolyPhen-2: "Benign"; Align-GVGD: "Class C0"). In summary, the available evidence is currently insufficient to determine the role of this variant in disease. Therefore, it has been classified as a Variant of Uncertain Significance.

NM_138704.4(NSMCE3):c.500T>A (p.Met167Lys)

Genes: ENTREP2 (endosomal transmembrane epsin interactor 2; minus strand), NSMCE3 (NSE3 homolog, SMC5-SMC6 complex component; minus strand). Cytogenetic location: 15q13.1.
Variant type: single nucleotide variant.
Coding change: c.500T>A on transcript NM_138704.4 (MANE Select); coding-DNA position 500, T replaced by A.
Protein change: p.Met167Lys; replaces methionine 167 with lysine.
Molecular consequence: missense variant. On other transcripts: intron variant (5).
Genome position (GRCh38, 1-based): chr15:29,269,206, A>T on the plus strand (T>A on the coding strand, the complement: NSMCE3 is on the minus strand). VCF-style: chr15-29269206-A-T. GRCh37 (hg19) VCF-style: chr15-29561410-A-T.
Other names: c.-12-16728T>A (NM_001387217.1, NM_001387215.1, NM_001387216.1); c.277-16728T>A (NM_001387214.1, NM_015307.2); short protein forms M167K.
Identifiers: ClinVar variation 1382163 (VCV001382163.3), dbSNP rs773595085, ClinGen allele CA7446113.